The following is an entry in ClinVar:

ClinVar aggregate classification (germline): Conflicting classifications of pathogenicity. Review status: criteria provided, conflicting classifications (1 of 4 stars). 2 submissions from 2 submitters: Uncertain significance (1); Likely benign (1). Last evaluated 2025-08-12.

Conditions:
Cardiovascular phenotype. Identifiers: MedGen CN230736.
Osteogenesis imperfecta type I (OI1). Also called: Lobstein disease; Lobstein's Disease; OI, TYPE I; OSTEOGENESIS IMPERFECTA TARDA; OSTEOGENESIS IMPERFECTA WITH BLUE SCLERAE; Osteogenesis imperfecta type 1. Identifiers: Orphanet 216796, Orphanet 666, MedGen C0023931, MONDO:0008146, OMIM 166200. Disease mechanism: loss of function.

Allele frequency attached by ClinVar (database versions not stated): ExAC 0.00001; TOPMed 0.00001; gnomAD 0.00003 and 0.00004; gnomAD exomes 0.00004.
gnomAD v4.1: 18 of 1,613,776 alleles (0.0011%); highest among the groups gnomAD compares: Admixed American, 0.01%; no homozygotes.

Submissions (2):

Labcorp Genetics (formerly Invitae), Labcorp
Classification: Likely benign for Osteogenesis imperfecta type I. Last evaluated: 2025-08-12. Review status: criteria provided, single submitter. Criteria: Invitae Variant Classification Sherloc (09022015). Collection method: clinical testing. Allele origin: germline.

Ambry Genetics
Classification: Uncertain significance for Cardiovascular phenotype. Last evaluated: 2024-03-05. Review status: criteria provided, single submitter. Criteria: Ambry Variant Classification Scheme 2023. Collection method: clinical testing. Allele origin: germline.
Comment: The p.V1410I variant (also known as c.4228G>A), located in coding exon 50 of the COL1A1 gene, results from a G to A substitution at nucleotide position 4228. The valine at codon 1410 is replaced by isoleucine, an amino acid with highly similar properties. This amino acid position is well conserved in available vertebrate species. In addition, this alteration is predicted to be tolerated by in silico analysis. Based on the available evidence, the clinical significance of this alteration remains unclear.

NM_000088.4(COL1A1):c.4228G>A (p.Val1410Ile)

Gene: COL1A1 (collagen type I alpha 1 chain; minus strand). Cytogenetic location: 17q21.33.
Variant type: single nucleotide variant.
Coding change: c.4228G>A on transcript NM_000088.4 (MANE Select); coding-DNA position 4228, G replaced by A.
Protein change: p.Val1410Ile; replaces valine 1410 with isoleucine.
Molecular consequence: missense variant.
Genome position (GRCh38, 1-based): chr17:50,185,798, C>T on the plus strand (G>A on the coding strand, the complement: COL1A1 is on the minus strand). VCF-style: chr17-50185798-C-T. GRCh37 (hg19) VCF-style: chr17-48263159-C-T.
Other names: c.4228G>A (NM_000088.3); short protein forms V1410I.
Identifiers: ClinVar variation 1488712 (VCV001488712.9), dbSNP rs769619568, ClinGen allele CA8644223.